The following is an entry in ClinVar:

NM_001379500.1(COL18A1):c.2118C>T (p.Pro706=)

Gene: COL18A1 (collagen type XVIII alpha 1 chain; plus strand). Cytogenetic location: 21q22.3.
Variant type: single nucleotide variant.
Coding change: c.2118C>T on transcript NM_001379500.1 (MANE Select); coding-DNA position 2118, C replaced by T.
Protein change: p.Pro706=; no amino-acid change (proline 706 retained).
Molecular consequence: synonymous variant.
Genome position (GRCh38, 1-based): chr21:45,491,275, C>T. VCF-style: chr21-45491275-C-T. GRCh37 (hg19) VCF-style: chr21-46911189-C-T.
Other names: c.2658C>T, p.Pro886= (NM_030582.4); c.3363C>T, p.Pro1121= (NM_130444.3); c.2658C>T (NM_030582.3).
Identifiers: ClinVar variation 2171989 (VCV002171989.6), dbSNP rs768113816, ClinGen allele CA10066815.

ClinVar aggregate classification (germline): Likely benign. Review status: criteria provided, multiple submitters, no conflicts (2 of 4 stars). 3 submissions from 3 submitters: Likely benign (3). Last evaluated 2026-06-17.

Conditions:
COL18A1-related disorder. Also called: COL18A1-related disorders; COL18A1-related condition.

Allele frequency attached by ClinVar (database versions not stated): gnomAD exomes 0.00005; TOPMed 0.00021; gnomAD 0.00028.
gnomAD v4.1: 123 of 1,612,090 alleles (0.0076%); highest among the groups gnomAD compares: Admixed American, 0.067%; no homozygotes.

Submissions (3):

PreventionGenetics, part of Exact Sciences
Classification: Likely benign for COL18A1-related condition. Last evaluated: 2026-06-17. Review status: criteria provided, single submitter. Criteria: ACMG Guidelines, 2015. Collection method: clinical testing. Allele origin: germline.
Comment: This variant is classified as likely benign based on ACMG/AMP sequence variant interpretation guidelines (Richards et al. 2015 PMID: 25741868, with internal and published modifications).

Labcorp Genetics (formerly Invitae), Labcorp
Classification: Likely benign. Last evaluated: 2025-12-18. Review status: criteria provided, single submitter. Criteria: Invitae Variant Classification Sherloc (09022015). Collection method: clinical testing. Allele origin: germline.

Blueprint Genetics
Classification: Likely benign. Last evaluated: 2024-09-26. Review status: criteria provided, single submitter. Criteria: ACMG Guidelines, 2015. Collection method: clinical testing. Allele origin: germline.